The following is an entry in ClinVar:

NM_053025.4(MYLK):c.2814_2815del (p.Val938_Ser939insTer)

Gene: MYLK (myosin light chain kinase; minus strand). Cytogenetic location: 3q21.1.
Variant type: Microsatellite.
Coding change: c.2814_2815del on transcript NM_053025.4 (MANE Select); coding-DNA positions 2814 to 2815, 2 bases deleted (GT; older notation c.2814_2815delGT).
Protein change: p.Val938_Ser939insTer.
Molecular consequence: frameshift variant.
Genome position (GRCh38, 1-based): chr3:123,700,653-123,700,654, AC deleted on the plus strand (GT on the coding strand, the reverse complement: MYLK is on the minus strand); deleting any 2 consecutive bases within chr3:123,700,653-123,700,657 gives the same sequence; the c. name uses the placement nearest the transcript's 3' end. VCF-style (leftmost placement, unchanged base first): chr3-123700652-GAC-G. GRCh37 (hg19) VCF-style: chr3-123419499-GAC-G.
Other names: c.2286_2287del, p.Val762_Ser763insTer (NM_001321309.2); c.2607_2608del, p.Val869_Ser870insTer (NM_053026.4, NM_053028.4); c.2814_2815del, p.Val938_Ser939insTer (NM_053027.4).
Identifiers: ClinVar variation 2199590 (VCV002199590.4), dbSNP rs2474180246, ClinGen allele CA645515644.
Genomic context (GRCh38, chr3:123,700,652, plus strand): 5'-TTGGCCAGGACAGAGCGAAAATCGACCTGCTGGGGGCTGTGCACCTTCCTCTCTTCCTCA[GAC>G]ACAGTCTTTGGCTTCACTTGCCGCTGCAGGTTGGCACGGAAATCCATCTGCTCGGCTGGG-3'

ClinVar aggregate classification (germline): Pathogenic (1 of 4 stars; one submission).

Conditions:
Aortic aneurysm, familial thoracic 7 (AAT7). Also called: AORTIC DISSECTION, FAMILIAL, WITH OR WITHOUT AORTIC ANEURYSM. Identifiers: MedGen C3151077, MONDO:0013418, OMIM 613780.

Submission:

Labcorp Genetics (formerly Invitae), Labcorp
Classification: Pathogenic for Aortic aneurysm, familial thoracic 7. Last evaluated: 2022-10-17. Review status: criteria provided, single submitter. Criteria: Invitae Variant Classification Sherloc (09022015). Collection method: clinical testing. Allele origin: germline.
Comment: For these reasons, this variant has been classified as Pathogenic. This variant has not been reported in the literature in individuals affected with MYLK-related conditions. This variant is not present in population databases (gnomAD no frequency). This sequence change creates a premature translational stop signal (p.Ser939*) in the MYLK gene. This variant occurs within the aortic-specific isoform of MYLK. Loss-of-function variants in the aortic-specific isoform of MYLK are known to be pathogenic for thoracic aortic dissections (PMID: 21055718).

Literature cited by the submitters: PubMed 21055718.